The following is an entry in ClinVar:

NM_002299.4(LCT):c.2552G>A (p.Gly851Glu)

Gene: LCT (lactase; minus strand). Cytogenetic location: 2q21.3.
Variant type: single nucleotide variant.
Coding change: c.2552G>A on transcript NM_002299.4 (MANE Select); coding-DNA position 2552, G replaced by A.
Protein change: p.Gly851Glu; replaces glycine 851 with glutamic acid.
Molecular consequence: missense variant.
Genome position (GRCh38, 1-based): chr2:135,809,795, C>T on the plus strand (G>A on the coding strand, the complement: LCT is on the minus strand). VCF-style: chr2-135809795-C-T. GRCh37 (hg19) VCF-style: chr2-136567365-C-T.
Other names: c.2552G>A (NM_002299.2); short protein forms G851E.
Identifiers: ClinVar variation 1507096 (VCV001507096.7), dbSNP rs373719432, ClinGen allele CA1888202.

ClinVar aggregate classification (germline): Conflicting classifications of pathogenicity. Review status: criteria provided, conflicting classifications (1 of 4 stars). 3 submissions from 3 submitters: Uncertain significance (2); Likely benign (1). Last evaluated 2025-01-29.

Conditions:
Inborn genetic diseases. Identifiers: MedGen C0950123, MeSH D030342.

Allele frequency attached by ClinVar (database versions not stated): gnomAD exomes below 0.00001 and 0.00002; ExAC 0.00002; TOPMed 0.00002; gnomAD 0.00003; ESP Exome Variant Server 0.00008.

Submissions (3):

Ambry Genetics
Classification: Uncertain significance for Inborn genetic diseases. Last evaluated: 2025-01-29. Review status: criteria provided, single submitter. Criteria: Ambry Variant Classification Scheme 2023. Collection method: clinical testing. Allele origin: germline.

Blueprint Genetics
Classification: Likely benign. Last evaluated: 2022-10-11. Review status: criteria provided, single submitter. Criteria: ACMG Guidelines, 2015. Collection method: clinical testing. Allele origin: germline.

Labcorp Genetics (formerly Invitae), Labcorp
Classification: Uncertain significance. Last evaluated: 2022-06-27. Review status: criteria provided, single submitter. Criteria: Invitae Variant Classification Sherloc (09022015). Collection method: clinical testing. Allele origin: germline.
Comment: This variant is present in population databases (rs373719432, gnomAD 0.004%). In summary, the available evidence is currently insufficient to determine the role of this variant in disease. Therefore, it has been classified as a Variant of Uncertain Significance. Algorithms developed to predict the effect of missense changes on protein structure and function output the following: SIFT: "Not Available"; PolyPhen-2: "Benign"; Align-GVGD: "Not Available". The glutamic acid amino acid residue is found in multiple mammalian species, which suggests that this missense change does not adversely affect protein function. This variant has not been reported in the literature in individuals affected with LCT-related conditions. This sequence change replaces glycine with glutamic acid at codon 851 of the LCT protein (p.Gly851Glu). The glycine residue is weakly conserved and there is a moderate physicochemical difference between glycine and glutamic acid.